The following is an entry in ClinVar:

NM_001127178.3(PIGG):c.662T>C (p.Ile221Thr)

Gene: PIGG (phosphatidylinositol glycan anchor biosynthesis class G (EMM blood group); plus strand). Cytogenetic location: 4p16.3.
Variant type: single nucleotide variant.
Coding change: c.662T>C on transcript NM_001127178.3 (MANE Select); coding-DNA position 662, T replaced by C.
Protein change: p.Ile221Thr; replaces isoleucine 221 with threonine.
Molecular consequence: missense variant. On other transcripts: 5 prime UTR variant (4), non-coding transcript variant (10), intron variant (1).
Genome position (GRCh38, 1-based): chr4:507,496, T>C. VCF-style: chr4-507496-T-C. GRCh37 (hg19) VCF-style: chr4-501285-T-C.
Other names: c.662T>C (NM_001127178.1); c.395T>C, p.Ile132Thr (NM_001289051.2, NM_001289053.2, NM_001289057.2 and 2 more transcripts); c.296T>C, p.Ile99Thr (NM_001289055.2); c.-226T>C (NM_001345988.2); c.662T>C, p.Ile221Thr (NM_001345989.2, NM_017733.5); c.-964T>C (NM_001345990.2); c.-826T>C (NM_001345991.2); c.-551T>C (NM_001345994.2); and 1 more; short protein forms I99T, I221T, I132T.
Identifiers: ClinVar variation 1510066 (VCV001510066.9), dbSNP rs782381516, ClinGen allele CA91050183.

ClinVar aggregate classification (germline): Uncertain significance. Review status: criteria provided, multiple submitters, no conflicts (2 of 4 stars). 2 submissions from 2 submitters: Uncertain significance (2). Last evaluated 2025-02-28.

Conditions:
Intellectual disability, autosomal recessive 53 (NEDHSCA). Also called: GLYCOSYLPHOSPHATIDYLINOSITOL BIOSYNTHESIS DEFECT 13; Mental retardation, autosomal recessive 53; NEURODEVELOPMENTAL DISORDER WITH OR WITHOUT HYPOTONIA, SEIZURES, AND CEREBELLAR ATROPHY. Identifiers: Orphanet 488635, MedGen C4310794, MONDO:0014832, OMIM 616917.
Inborn genetic diseases. Identifiers: MedGen C0950123, MeSH D030342.

Allele frequency attached by ClinVar (database versions not stated): TOPMed below 0.00001; gnomAD 0.00001; gnomAD exomes 0.00002.
gnomAD v4.1: 34 of 1,614,144 alleles (0.0021%); highest among the groups gnomAD compares: Non-Finnish European, 0.0028%; no homozygotes.

Submissions (2):

Ambry Genetics
Classification: Uncertain significance for Inborn genetic diseases. Last evaluated: 2025-02-28. Review status: criteria provided, single submitter. Criteria: Ambry Variant Classification Scheme 2023. Collection method: clinical testing. Allele origin: germline.

Labcorp Genetics (formerly Invitae), Labcorp
Classification: Uncertain significance for Intellectual disability, autosomal recessive 53. Last evaluated: 2022-05-25. Review status: criteria provided, single submitter. Criteria: Invitae Variant Classification Sherloc (09022015). Collection method: clinical testing. Allele origin: germline.
Comment: In summary, the available evidence is currently insufficient to determine the role of this variant in disease. Therefore, it has been classified as a Variant of Uncertain Significance. Algorithms developed to predict the effect of missense changes on protein structure and function (SIFT, PolyPhen-2, Align-GVGD) all suggest that this variant is likely to be disruptive. This variant has not been reported in the literature in individuals affected with PIGG-related conditions. This variant is present in population databases (rs782381516, gnomAD 0.007%). This sequence change replaces isoleucine, which is neutral and non-polar, with threonine, which is neutral and polar, at codon 221 of the PIGG protein (p.Ile221Thr).